The following is an entry in ClinVar:

NM_000384.3(APOB):c.2407G>A (p.Ala803Thr)

Gene: APOB (apolipoprotein B; minus strand). Cytogenetic location: 2p24.1.
Variant type: single nucleotide variant.
Coding change: c.2407G>A on transcript NM_000384.3 (MANE Select); coding-DNA position 2407, G replaced by A.
Protein change: p.Ala803Thr; replaces alanine 803 with threonine.
Molecular consequence: missense variant.
Genome position (GRCh38, 1-based): chr2:21,024,962, C>T on the plus strand (G>A on the coding strand, the complement: APOB is on the minus strand). VCF-style: chr2-21024962-C-T. GRCh37 (hg19) VCF-style: chr2-21247834-C-T.
Other names: short protein forms A803T.
Identifiers: ClinVar variation 848714 (VCV000848714.10), dbSNP rs757185314, ClinGen allele CA056107.

ClinVar aggregate classification (germline): Conflicting classifications of pathogenicity. Review status: criteria provided, conflicting classifications (1 of 4 stars). 2 submissions from 2 submitters: Uncertain significance (1); Likely benign (1). Last evaluated 2024-11-21.

Conditions:
Hypercholesterolemia, autosomal dominant, type B (FHCL2). Also called: Hyperlipoproteinemia Type IIb; Familial hypercholesterolemia 2; APOB-Related Familial Hypercholesterolemia, Autosomal Dominant; Familial Hypercholesterolemia Type B; APOLIPOPROTEIN B-100, FAMILIAL DEFECTIVE; APOLIPOPROTEIN B-100, FAMILIAL LIGAND-DEFECTIVE. Identifiers: MedGen C1704417, MONDO:0007751, OMIM 144010.
Familial hypobetalipoproteinemia 1. Also called: Hypobetalipoproteinemia, normotriglyceridemic; Acanthocytosis with hypobetalipoproteinemia; APOB-Related Familial Hypobetalipoproteinemia. Identifiers: MedGen C4551990, MONDO:0014252, OMIM 615558.

gnomAD v4.1: 9 of 1,614,150 alleles (0.00056%); highest among the groups gnomAD compares: Middle Eastern, 0.016%; no homozygotes.

Submissions (2):

Labcorp Genetics (formerly Invitae), Labcorp
Classification: Likely benign for Familial hypobetalipoproteinemia 1; Hypercholesterolemia, autosomal dominant, type B. Last evaluated: 2024-11-21. Review status: criteria provided, single submitter. Criteria: Invitae Variant Classification Sherloc (09022015). Collection method: clinical testing. Allele origin: germline.

Quest Diagnostics Nichols Institute San Juan Capistrano
Classification: Uncertain significance. Last evaluated: 2024-09-06. Review status: criteria provided, single submitter. Criteria: Quest Diagnostics criteria. Collection method: clinical testing. Allele origin: unknown.
Comment: The APOB c.2407G>A (p.Ala803Thr) variant has not been reported in individuals with APOB-related conditions in the published literature. The frequency of this variant in the general population, 0.000008 (2/251284 chromosomes (Genome Aggregation Database)), is uninformative in the assessment of its pathogenicity. Analysis of this variant using bioinformatics tools for the prediction of the effect of amino acid changes on protein structure and function yielded conflicting predictions that this variant is benign or damaging. Based on the available information, we are unable to determine the clinical significance of this variant.